The following is an entry in ClinVar:

ClinVar aggregate classification (germline): Benign. Review status: criteria provided, multiple submitters, no conflicts (2 of 4 stars). 3 submissions from 3 submitters: Benign (2). 1 of the submissions does not count toward it. Last evaluated 2019-12-31.

Conditions:
DROSHA-related disorder. Also called: DROSHA-related condition.

Allele frequency attached by ClinVar (database versions not stated): gnomAD exomes 0.00575 and 0.00903; TOPMed 0.00847; gnomAD 0.00848 and 0.00745; ESP Exome Variant Server 0.00783; 1000 Genomes Project 30x 0.02014; ExAC 0.00989; 1000 Genomes Project 0.02137.
gnomAD v4.1: 9,873 of 1,603,348 alleles (0.62%); highest among the groups gnomAD compares: South Asian, 3.1%; 129 homozygotes.

Submissions (3):

Labcorp Genetics (formerly Invitae), Labcorp
Classification: Benign. Last evaluated: 2019-12-31. Review status: criteria provided, single submitter. Criteria: Invitae Variant Classification Sherloc (09022015). Collection method: clinical testing. Allele origin: germline.

Breakthrough Genomics
Classification: Benign. Review status: criteria provided, single submitter. Criteria: ACMG Guidelines, 2015. Collection method: not provided. Allele origin: germline. Inheritance: Unknown mechanism. Affected: yes.

PreventionGenetics, part of Exact Sciences
Classification: Benign for DROSHA-related condition. Last evaluated: 2019-11-05. Review status: no assertion criteria provided. Collection method: clinical testing. Allele origin: germline. Not counted in ClinVar's aggregate classification.
Comment: This variant is classified as benign based on ACMG/AMP sequence variant interpretation guidelines (Richards et al. 2015 PMID: 25741868, with internal and published modifications).

NM_001382508.1(DROSHA):c.3216+9A>G

Gene: DROSHA (drosha ribonuclease III; minus strand). Cytogenetic location: 5p13.3.
Variant type: single nucleotide variant.
Coding change: c.3216+9A>G on transcript NM_001382508.1 (MANE Select); 9 bases into the intron after coding-DNA position 3216, A replaced by G.
Molecular consequence: intron variant.
Genome position (GRCh38, 1-based): chr5:31,429,466, T>C on the plus strand (A>G on the coding strand, the complement: DROSHA is on the minus strand). VCF-style: chr5-31429466-T-C. GRCh37 (hg19) VCF-style: chr5-31429573-T-C.
Other names: c.3216+9A>G (NM_013235.5); c.3105+9A>G (NM_001100412.2).
Identifiers: ClinVar variation 780954 (VCV000780954.7), dbSNP rs117987306, ClinGen allele CA3217246.